The following is an entry in ClinVar:

ClinVar aggregate classification (germline): Uncertain significance. Review status: criteria provided, multiple submitters, no conflicts (2 of 4 stars). 3 submissions from 3 submitters: Uncertain significance (3). Last evaluated 2024-09-09.

Conditions:
Inborn genetic diseases. Identifiers: MedGen C0950123, MeSH D030342.

Allele frequency attached by ClinVar (database versions not stated): gnomAD exomes 0.00002; TOPMed 0.00002; ExAC 0.00003.
gnomAD v4.1: 26 of 1,613,316 alleles (0.0016%); highest among the groups gnomAD compares: African/African-American, 0.017%; no homozygotes.

Submissions (3):

Ambry Genetics
Classification: Uncertain significance for Inborn genetic diseases. Last evaluated: 2024-09-09. Review status: criteria provided, single submitter. Criteria: Ambry Variant Classification Scheme 2023. Collection method: clinical testing. Allele origin: germline.

Blueprint Genetics
Classification: Uncertain significance. Last evaluated: 2024-03-13. Review status: criteria provided, single submitter. Criteria: ACMG Guidelines, 2015. Collection method: clinical testing. Allele origin: germline.

Labcorp Genetics (formerly Invitae), Labcorp
Classification: Uncertain significance. Last evaluated: 2022-09-06. Review status: criteria provided, single submitter. Criteria: Invitae Variant Classification Sherloc (09022015). Collection method: clinical testing. Allele origin: germline.
Comment: This sequence change replaces arginine, which is basic and polar, with cysteine, which is neutral and slightly polar, at codon 934 of the RBP3 protein (p.Arg934Cys). This variant is present in population databases (rs200537174, gnomAD 0.01%). This variant has not been reported in the literature in individuals affected with RBP3-related conditions. Algorithms developed to predict the effect of missense changes on protein structure and function (SIFT, PolyPhen-2, Align-GVGD) all suggest that this variant is likely to be disruptive. In summary, the available evidence is currently insufficient to determine the role of this variant in disease. Therefore, it has been classified as a Variant of Uncertain Significance.

NM_002900.3(RBP3):c.2800C>T (p.Arg934Cys)

Gene: RBP3 (retinol binding protein 3; plus strand). Cytogenetic location: 10q11.22.
Variant type: single nucleotide variant.
Coding change: c.2800C>T on transcript NM_002900.3 (MANE Select); coding-DNA position 2800, C replaced by T.
Protein change: p.Arg934Cys; replaces arginine 934 with cysteine.
Molecular consequence: missense variant.
Genome position (GRCh38, 1-based): chr10:47,351,284, C>T. VCF-style: chr10-47351284-C-T. GRCh37 (hg19) VCF-style: chr10-48388078-G-A.
Other names: c.2800C>T (NM_002900.2); short protein forms R934C.
Identifiers: ClinVar variation 1937690 (VCV001937690.4), dbSNP rs200537174, ClinGen allele CA5487201.
Genomic context (GRCh38, chr10:47,351,284, plus strand): 5'-CCCGACATCACTGTGCCCATGAGCGAAGCCCTTTCCATAGCCCAGGACATAGTGGCTCTG[C>T]GTGCCAAGGTGCCCACGGTGCTGCAGACGGCCGGGAAGCTGGTGGCTGATAACTATGCCT-3'
Protein context (NP_002891.1, residues 924-944): LSIAQDIVAL[Arg934Cys]AKVPTVLQTA